The following is an entry in ClinVar:

NM_001261826.3(AP3D1):c.2002-3C>T

Gene: AP3D1 (adaptor related protein complex 3 subunit delta 1; minus strand). Cytogenetic location: 19p13.3.
Variant type: single nucleotide variant.
Coding change: c.2002-3C>T on transcript NM_001261826.3 (MANE Select); 3 bases into the intron before coding-DNA position 2002, C replaced by T.
Molecular consequence: intron variant.
Genome position (GRCh38, 1-based): chr19:2,116,281, G>A on the plus strand (C>T on the coding strand, the complement: AP3D1 is on the minus strand). VCF-style: chr19-2116281-G-A. GRCh37 (hg19) VCF-style: chr19-2116280-G-A.
Other names: p.?; c.2002-3C>T (NM_003938.8, NM_001374799.1).
Identifiers: ClinVar variation 736414 (VCV000736414.19), dbSNP rs200828360, ClinGen allele CA9059068.

ClinVar aggregate classification (germline): Benign/Likely benign. Review status: criteria provided, multiple submitters, no conflicts (2 of 4 stars). 5 submissions from 5 submitters: Benign (2); Likely benign (2). 1 of the submissions does not count toward it. Last evaluated 2026-07-01.

Conditions:
AP3D1-related disorder. Also called: AP3D1-related condition.

Allele frequency attached by ClinVar (database versions not stated): ESP Exome Variant Server 0.00056; gnomAD 0.00073 and 0.00101; TOPMed 0.00083; gnomAD exomes 0.00144 and 0.00212; 1000 Genomes Project 30x 0.00203; ExAC 0.00227; 1000 Genomes Project 0.00240.
gnomAD v4.1: 2,252 of 1,613,842 alleles (0.14%); highest among the groups gnomAD compares: South Asian, 0.98%; 20 homozygotes.

Submissions (5):

CeGaT Center for Human Genetics Tuebingen
Classification: Likely benign. Last evaluated: 2026-07-01. Review status: criteria provided, single submitter. Criteria: CeGaT Center For Human Genetics Tuebingen Variant Classification Criteria Version 2. Collection method: clinical testing. Allele origin: germline. Affected: yes. Observed: 2 variant alleles.
Comment: AP3D1: BP4, BS2

Labcorp Genetics (formerly Invitae), Labcorp
Classification: Benign. Last evaluated: 2026-01-30. Review status: criteria provided, single submitter. Criteria: Invitae Variant Classification Sherloc (09022015). Collection method: clinical testing. Allele origin: germline.

Mayo Clinic Laboratories, Mayo Clinic
Classification: Likely benign. Last evaluated: 2025-11-26. Review status: criteria provided, single submitter. Criteria: ACMG Guidelines, 2015. Collection method: clinical testing. Allele origin: germline. Observed: 8 variant alleles.
Comment: BS2, BP4

Breakthrough Genomics
Classification: Benign. Review status: criteria provided, single submitter. Criteria: ACMG Guidelines, 2015. Collection method: not provided. Allele origin: germline. Inheritance: Autosomal recessive inheritance. Affected: yes.

PreventionGenetics, part of Exact Sciences
Classification: Benign for AP3D1-related condition. Last evaluated: 2019-10-30. Review status: no assertion criteria provided. Collection method: clinical testing. Allele origin: germline. Not counted in ClinVar's aggregate classification.
Comment: This variant is classified as benign based on ACMG/AMP sequence variant interpretation guidelines (Richards et al. 2015 PMID: 25741868, with internal and published modifications).